The following is an entry in ClinVar:

ClinVar aggregate classification (germline): Uncertain significance (1 of 4 stars; one submission).

gnomAD v4.1: 1 of 1,613,958 alleles (0.000062%); highest among the groups gnomAD compares: African/African-American, 0.0013%; no homozygotes.

Submission:

Labcorp Genetics (formerly Invitae), Labcorp
Classification: Uncertain significance. Last evaluated: 2023-06-15. Review status: criteria provided, single submitter. Criteria: Invitae Variant Classification Sherloc (09022015). Collection method: clinical testing. Allele origin: germline.
Comment: In summary, the available evidence is currently insufficient to determine the role of this variant in disease. Therefore, it has been classified as a Variant of Uncertain Significance. An algorithm developed to predict the effect of missense changes on protein structure and function (PolyPhen-2) suggests that this variant is likely to be disruptive. ClinVar contains an entry for this variant (Variation ID: 1400494). This variant has not been reported in the literature in individuals affected with PLD1-related conditions. This variant is not present in population databases (gnomAD no frequency). This sequence change replaces aspartic acid, which is acidic and polar, with histidine, which is basic and polar, at codon 29 of the PLD1 protein (p.Asp29His).

NM_002662.5(PLD1):c.85G>C (p.Asp29His)

Gene: PLD1 (phospholipase D1; minus strand). Cytogenetic location: 3q26.31.
Variant type: single nucleotide variant.
Coding change: c.85G>C on transcript NM_002662.5 (MANE Select); coding-DNA position 85, G replaced by C.
Protein change: p.Asp29His; replaces aspartic acid 29 with histidine.
Molecular consequence: missense variant.
Genome position (GRCh38, 1-based): chr3:171,737,967, C>G on the plus strand (G>C on the coding strand, the complement: PLD1 is on the minus strand). VCF-style: chr3-171737967-C-G. GRCh37 (hg19) VCF-style: chr3-171455757-C-G.
Other names: c.85G>C, p.Asp29His (NM_001130081.3); short protein forms D29H.
Identifiers: ClinVar variation 1400494 (VCV001400494.8), dbSNP rs1353139460, ClinGen allele CA355496025.